The following is an entry in ClinVar:

ClinVar aggregate classification (germline): Uncertain significance (1 of 4 stars; one submission).

Submission:

Labcorp Genetics (formerly Invitae), Labcorp
Classification: Uncertain significance. Last evaluated: 2022-03-15. Review status: criteria provided, single submitter. Criteria: Invitae Variant Classification Sherloc (09022015). Collection method: clinical testing. Allele origin: germline.
Comment: In summary, the available evidence is currently insufficient to determine the role of this variant in disease. Therefore, it has been classified as a Variant of Uncertain Significance. This sequence change affects the initiator methionine of the AHR mRNA. The next in-frame methionine is located at codon 216. This variant is not present in population databases (gnomAD no frequency). This variant has not been reported in the literature in individuals affected with AHR-related conditions. Experimental studies and prediction algorithms are not available or were not evaluated, and the functional significance of this variant is currently unknown.

NM_001621.5(AHR):c.1A>G (p.Met1Val)

Gene: AHR (aryl hydrocarbon receptor; plus strand). Cytogenetic location: 7p21.1.
Variant type: single nucleotide variant.
Coding change: c.1A>G on transcript NM_001621.5 (MANE Select); coding-DNA position 1, A replaced by G.
Protein change: p.Met1Val; changes the start codon (methionine 1).
Molecular consequence: missense variant, initiator codon variant.
Genome position (GRCh38, 1-based): chr7:17,299,265, A>G. VCF-style: chr7-17299265-A-G. GRCh37 (hg19) VCF-style: chr7-17338889-A-G.
Other names: short protein forms M1V.
Identifiers: ClinVar variation 2112674 (VCV002112674.5), dbSNP rs2534400894, ClinGen allele CA367004847.